The following is an entry in ClinVar:

ClinVar aggregate classification (germline): Uncertain significance. Review status: criteria provided, multiple submitters, no conflicts (2 of 4 stars). 2 submissions from 2 submitters: Uncertain significance (2). Last evaluated 2022-07-05.

Conditions:
Primary ciliary dyskinesia. Also called: Ciliary dyskinesia. Identifiers: Orphanet 244, MedGen C0008780, MONDO:0016575, HP:0012265.

Allele frequency attached by ClinVar (database versions not stated): ExAC 0.00001.

Submissions (2):

Labcorp Genetics (formerly Invitae), Labcorp
Classification: Uncertain significance for Primary ciliary dyskinesia. Last evaluated: 2022-07-05. Review status: criteria provided, single submitter. Criteria: Invitae Variant Classification Sherloc (09022015). Collection method: clinical testing. Allele origin: germline.
Comment: In summary, the available evidence is currently insufficient to determine the role of this variant in disease. Therefore, it has been classified as a Variant of Uncertain Significance. Algorithms developed to predict the effect of missense changes on protein structure and function (SIFT, PolyPhen-2, Align-GVGD) all suggest that this variant is likely to be tolerated. ClinVar contains an entry for this variant (Variation ID: 1056877). This variant has not been reported in the literature in individuals affected with RSPH9-related conditions. This variant is present in population databases (no rsID available, gnomAD 0.003%). This sequence change replaces glutamic acid, which is acidic and polar, with lysine, which is basic and polar, at codon 267 of the RSPH9 protein (p.Glu267Lys).

Blueprint Genetics
Classification: Uncertain significance. Last evaluated: 2017-05-26. Review status: criteria provided, single submitter. Criteria: ACMG Guidelines, 2015. Collection method: clinical testing. Allele origin: germline.

NM_152732.5(RSPH9):c.799G>A (p.Glu267Lys)

Gene: RSPH9 (radial spoke head component 9; plus strand). Cytogenetic location: 6p21.1.
Variant type: single nucleotide variant.
Coding change: c.799G>A on transcript NM_152732.5 (MANE Select); coding-DNA position 799, G replaced by A.
Protein change: p.Glu267Lys; replaces glutamic acid 267 with lysine.
Molecular consequence: missense variant.
Genome position (GRCh38, 1-based): chr6:43,670,917, G>A. VCF-style: chr6-43670917-G-A. GRCh37 (hg19) VCF-style: chr6-43638654-G-A.
Other names: c.851G>A, p.Arg284Gln (NM_001193341.2); short protein forms E267K, R284Q.
Identifiers: ClinVar variation 1056877 (VCV001056877.10), dbSNP rs1554149875, ClinGen allele CA3828422.